The following is an entry in ClinVar:

ClinVar aggregate classification (germline): Uncertain significance (1 of 4 stars; one submission).

gnomAD v4.1: 1 of 1,613,156 alleles (0.000062%); highest among the groups gnomAD compares: Non-Finnish European, 0.000085%; no homozygotes.

Submission:

GeneDx
Classification: Uncertain significance. Last evaluated: 2025-04-25. Review status: criteria provided, single submitter. Criteria: GeneDx Variant Classification Process June 2021. Collection method: clinical testing. Allele origin: germline. Affected: yes.
Comment: Not observed at significant frequency in large population cohorts (gnomAD); In silico analysis suggests that this missense variant does not alter protein structure/function; Has not been previously published as pathogenic or benign to our knowledge

NM_000051.4(ATM):c.7823C>T (p.Thr2608Ile)

Genes: ATM (ATM serine/threonine kinase; plus strand), C11orf65 (chromosome 11 open reading frame 65; minus strand). Cytogenetic location: 11q22.3.
Variant type: single nucleotide variant.
Coding change: c.7823C>T on transcript NM_000051.4 (MANE Select); coding-DNA position 7823, C replaced by T.
Protein change: p.Thr2608Ile; replaces threonine 2608 with isoleucine.
Molecular consequence: missense variant. On other transcripts: intron variant (2).
Genome position (GRCh38, 1-based): chr11:108,332,796, C>T. VCF-style: chr11-108332796-C-T. GRCh37 (hg19) VCF-style: chr11-108203523-C-T.
Other names: c.7823C>T, p.Thr2608Ile (NM_001351834.2); c.641-23725G>A (NM_001330368.2); c.*38+2424G>A (NM_001351110.2); short protein forms T2608I.
Identifiers: ClinVar variation 4527416 (VCV004527416.1).